The following is an entry in ClinVar:

ClinVar aggregate classification (germline): Likely pathogenic (1 of 4 stars; one submission).

Conditions:
Weaver syndrome (WVS). Also called: Weaver Smith syndrome; Overgrowth syndrome with accelerated skeletal maturation, unusual facies, and camptodactyly. Identifiers: Orphanet 3447, MedGen C0265210, MONDO:0010193, OMIM 277590.

Submission:

Labcorp Genetics (formerly Invitae), Labcorp
Classification: Likely pathogenic for Weaver syndrome. Last evaluated: 2017-04-07. Review status: criteria provided, single submitter. Criteria: Invitae Variant Classification Sherloc (09022015). Collection method: clinical testing. Allele origin: germline.
Comment: This sequence change replaces aspartic acid with tyrosine at codon 664 of the EZH2 protein (p.Asp664Tyr). The aspartic acid residue is highly conserved and there is a large physicochemical difference between aspartic acid and tyrosine. This evidence indicates that the variant is pathogenic, but additional data is needed to prove that conclusively. Therefore, this variant has been classified as Likely Pathogenic. Algorithms developed to predict the effect of missense changes on protein structure and function do not agree on the potential impact of this missense change (SIFT: "Deleterious"; PolyPhen-2: "Probably Damaging"; Align-GVGD: "Class C15"). This variant is not present in population databases (ExAC no frequency) and has not been reported in the literature in individuals with an EZH2-related disease.

NM_004456.5(EZH2):c.1990G>T (p.Asp664Tyr)

Gene: EZH2 (enhancer of zeste 2 polycomb repressive complex 2 subunit; minus strand). Cytogenetic location: 7q36.1.
Variant type: single nucleotide variant.
Coding change: c.1990G>T on transcript NM_004456.5 (MANE Select); coding-DNA position 1990, G replaced by T.
Protein change: p.Asp664Tyr; replaces aspartic acid 664 with tyrosine.
Molecular consequence: missense variant.
Genome position (GRCh38, 1-based): chr7:148,810,372, C>A on the plus strand (G>T on the coding strand, the complement: EZH2 is on the minus strand). VCF-style: chr7-148810372-C-A. GRCh37 (hg19) VCF-style: chr7-148507464-C-A.
Other names: c.1975G>T, p.Asp659Tyr (NM_001203247.2); c.1948G>T, p.Asp650Tyr (NM_001203248.2); c.1822G>T, p.Asp608Tyr (NM_001203249.2); c.1858G>T, p.Asp620Tyr (NM_152998.3); short protein forms D664Y, D608Y, D659Y, D620Y, D650Y.
Identifiers: ClinVar variation 411683 (VCV000411683.9), dbSNP rs1060503430, ClinGen allele CA16612185.